The following is an entry in ClinVar:

NM_001130144.3(LTBP3):c.2058C>A (p.Asn686Lys)

Gene: LTBP3 (latent transforming growth factor beta binding protein 3; minus strand). Cytogenetic location: 11q13.1.
Variant type: single nucleotide variant.
Coding change: c.2058C>A on transcript NM_001130144.3 (MANE Select); coding-DNA position 2058, C replaced by A.
Protein change: p.Asn686Lys; replaces asparagine 686 with lysine.
Molecular consequence: missense variant.
Genome position (GRCh38, 1-based): chr11:65,547,488, G>T on the plus strand (C>A on the coding strand, the complement: LTBP3 is on the minus strand). VCF-style: chr11-65547488-G-T. GRCh37 (hg19) VCF-style: chr11-65314959-G-T.
Other names: c.1707C>A, p.Asn569Lys (NM_001164266.1); c.2058C>A, p.Asn686Lys (NM_021070.4); short protein forms N686K, N569K.
Identifiers: ClinVar variation 452796 (VCV000452796.14), dbSNP rs376337792, ClinGen allele CA6100754.

ClinVar aggregate classification (germline): Conflicting classifications of pathogenicity. Review status: criteria provided, conflicting classifications (1 of 4 stars). 5 submissions from 5 submitters: Uncertain significance (3); Likely benign (1). 1 of the submissions does not count toward it. Last evaluated 2023-04-22.

Conditions:
Brachyolmia-amelogenesis imperfecta syndrome. Also called: PLATYSPONDYLY WITH AMELOGENESIS IMPERFECTA; Tooth agenesis, selective, 6; Dental anomalies and short stature. Identifiers: Orphanet 2899, MedGen C1832594, MONDO:0011018, OMIM 601216. Disease mechanism: loss of function.
LTBP3-related disorder. Also called: LTBP3-related condition.
Inborn genetic diseases. Identifiers: MedGen C0950123, MeSH D030342.

Allele frequency attached by ClinVar (database versions not stated): 1000 Genomes Project 30x 0.00031; 1000 Genomes Project 0.00040.
gnomAD v4.1: 137 of 1,614,170 alleles (0.0085%); highest among the groups gnomAD compares: South Asian, 0.14%; no homozygotes.

Submissions (5):

Labcorp Genetics (formerly Invitae), Labcorp
Classification: Uncertain significance for Brachyolmia-amelogenesis imperfecta syndrome. Last evaluated: 2023-04-22. Review status: criteria provided, single submitter. Criteria: Invitae Variant Classification Sherloc (09022015). Collection method: clinical testing. Allele origin: germline.
Comment: In summary, the available evidence is currently insufficient to determine the role of this variant in disease. Therefore, it has been classified as a Variant of Uncertain Significance. An algorithm developed to predict the effect of missense changes on protein structure and function (PolyPhen-2) suggests that this variant is likely to be tolerated. ClinVar contains an entry for this variant (Variation ID: 452796). This variant has not been reported in the literature in individuals affected with LTBP3-related conditions. This variant is present in population databases (rs376337792, gnomAD 0.2%). This sequence change replaces asparagine, which is neutral and polar, with lysine, which is basic and polar, at codon 686 of the LTBP3 protein (p.Asn686Lys).

Revvity Omics, Revvity
Classification: Uncertain significance. Last evaluated: 2022-11-22. Review status: criteria provided, single submitter. Criteria: ACMG Guidelines, 2015. Collection method: clinical testing. Allele origin: germline.

Ambry Genetics
Classification: Likely benign for Inborn genetic diseases. Last evaluated: 2021-11-09. Review status: criteria provided, single submitter. Criteria: Ambry Variant Classification Scheme 2023. Collection method: clinical testing. Allele origin: germline.

GeneDx
Classification: Uncertain significance. Last evaluated: 2017-10-24. Review status: criteria provided, single submitter. Criteria: GeneDx Variant Classification (06012015). Collection method: clinical testing. Allele origin: germline. Affected: yes.
Comment: The N686K variant in the LTBP3 gene has not been reported previously as a pathogenic variant, nor as a benign variant, to our knowledge. Although not observed in the homozygous state, the N686K variant is observed in 47/30780 (0.15%) alleles from individuals of South Asian background in large population cohorts (Lek et al., 2016). The N686K variant is a semi-conservative amino acid substitution, which may impact secondary protein structure as these residues differ in some properties. This substitution occurs at a position that is not conserved. However, in silico analysis is inconsistent in its predictions as to whether or not the variant is damaging to the protein structure/function. We interpret N686K as a variant of uncertain significance.

PreventionGenetics, part of Exact Sciences
Classification: Likely benign for LTBP3-related condition. Last evaluated: 2022-09-28. Review status: no assertion criteria provided. Collection method: clinical testing. Allele origin: germline. Not counted in ClinVar's aggregate classification.
Comment: This variant is classified as likely benign based on ACMG/AMP sequence variant interpretation guidelines (Richards et al. 2015 PMID: 25741868, with internal and published modifications).